The following is an entry in ClinVar:

NM_006766.5(KAT6A):c.2976G>T (p.Glu992Asp)

Gene: KAT6A (lysine acetyltransferase 6A; minus strand). Cytogenetic location: 8p11.21.
Variant type: single nucleotide variant.
Coding change: c.2976G>T on transcript NM_006766.5 (MANE Select); coding-DNA position 2976, G replaced by T.
Protein change: p.Glu992Asp; replaces glutamic acid 992 with aspartic acid.
Molecular consequence: missense variant.
Genome position (GRCh38, 1-based): chr8:41,940,905, C>A on the plus strand (G>T on the coding strand, the complement: KAT6A is on the minus strand). VCF-style: chr8-41940905-C-A. GRCh37 (hg19) VCF-style: chr8-41798423-C-A.
Other names: short protein forms E992D.
Identifiers: ClinVar variation 4809583 (VCV004809583.1).

ClinVar aggregate classification (germline): Uncertain significance (1 of 4 stars; one submission).

Submission:

Labcorp Genetics (formerly Invitae), Labcorp
Classification: Uncertain significance. Last evaluated: 2025-11-24. Review status: criteria provided, single submitter. Criteria: Invitae Variant Classification Sherloc (09022015). Collection method: clinical testing. Allele origin: germline.
Comment: This sequence change replaces glutamic acid, which is acidic and polar, with aspartic acid, which is acidic and polar, at codon 992 of the KAT6A protein (p.Glu992Asp). This variant is not present in population databases (gnomAD no frequency). This variant has not been reported in the literature in individuals affected with KAT6A-related conditions. Invitae Evidence Modeling of protein sequence and biophysical properties (such as structural, functional, and spatial information, amino acid conservation, physicochemical variation, residue mobility, and thermodynamic stability) indicates that this missense variant is not expected to disrupt KAT6A protein function with a negative predictive value of 95%. In summary, the available evidence is currently insufficient to determine the role of this variant in disease. Therefore, it has been classified as a Variant of Uncertain Significance.